The following is an entry in ClinVar:

ClinVar aggregate classification (germline): Uncertain significance (1 of 4 stars; one submission).

Conditions:
Cardiovascular phenotype. Identifiers: MedGen CN230736.

gnomAD v4.1: 27 of 1,607,566 alleles (0.0017%); highest among the groups gnomAD compares: East Asian, 0.061%; no homozygotes.

Submission:

Ambry Genetics
Classification: Uncertain significance for Cardiovascular phenotype. Last evaluated: 2024-10-19. Review status: criteria provided, single submitter. Criteria: Ambry Variant Classification Scheme 2023. Collection method: clinical testing. Allele origin: germline.
Comment: The p.A28V variant (also known as c.83C>T), located in coding exon 1 of the LPL gene, results from a C to T substitution at nucleotide position 83. The alanine at codon 28 is replaced by valine, an amino acid with similar properties. This amino acid position is well conserved in available vertebrate species. In addition, this alteration is predicted to be tolerated by in silico analysis. Based on the available evidence, the clinical significance of this variant remains unclear.

NM_000237.3(LPL):c.83C>T (p.Ala28Val)

Gene: LPL (lipoprotein lipase; plus strand). Cytogenetic location: 8p21.3.
Variant type: single nucleotide variant.
Coding change: c.83C>T on transcript NM_000237.3 (MANE Select); coding-DNA position 83, C replaced by T.
Protein change: p.Ala28Val; replaces alanine 28 with valine.
Molecular consequence: missense variant.
Genome position (GRCh38, 1-based): chr8:19,939,523, C>T. VCF-style: chr8-19939523-C-T. GRCh37 (hg19) VCF-style: chr8-19797034-C-T.
Other names: short protein forms A28V.
Identifiers: ClinVar variation 3539206 (VCV003539206.1).